The following is an entry in ClinVar:

ClinVar aggregate classification (germline): Uncertain significance (1 of 4 stars; one submission).

Conditions:
FGFR2-related craniosynostosis. Identifiers: MedGen CN231480.

Submission:

Labcorp Genetics (formerly Invitae), Labcorp
Classification: Uncertain significance for FGFR2-related craniosynostosis. Last evaluated: 2023-06-09. Review status: criteria provided, single submitter. Criteria: Invitae Variant Classification Sherloc (09022015). Collection method: clinical testing. Allele origin: germline.
Comment: In summary, the available evidence is currently insufficient to determine the role of this variant in disease. Therefore, it has been classified as a Variant of Uncertain Significance. Advanced modeling of protein sequence and biophysical properties (such as structural, functional, and spatial information, amino acid conservation, physicochemical variation, residue mobility, and thermodynamic stability) has been performed at Invitae for this missense variant, however the output from this modeling did not meet the statistical confidence thresholds required to predict the impact of this variant on FGFR2 protein function. This variant has not been reported in the literature in individuals affected with FGFR2-related conditions. This variant is not present in population databases (gnomAD no frequency). This sequence change replaces aspartic acid, which is acidic and polar, with glutamic acid, which is acidic and polar, at codon 504 of the FGFR2 protein (p.Asp504Glu).

NM_000141.5(FGFR2):c.1512C>G (p.Asp504Glu)

Gene: FGFR2 (fibroblast growth factor receptor 2; minus strand). Cytogenetic location: 10q26.13.
Variant type: single nucleotide variant.
Coding change: c.1512C>G on transcript NM_000141.5 (MANE Select); coding-DNA position 1512, C replaced by G.
Protein change: p.Asp504Glu; replaces aspartic acid 504 with glutamic acid.
Molecular consequence: missense variant. On other transcripts: non-coding transcript variant (1).
Genome position (GRCh38, 1-based): chr10:121,500,875, G>C on the plus strand (C>G on the coding strand, the complement: FGFR2 is on the minus strand). VCF-style: chr10-121500875-G-C. GRCh37 (hg19) VCF-style: chr10-123260389-G-C.
Other names: c.1515C>G, p.Asp505Glu (NM_001144913.1, NM_022970.4); c.1176C>G, p.Asp392Glu (NM_001144914.1); c.1245C>G, p.Asp415Glu (NM_001144915.2, NM_023029.3); c.1167C>G, p.Asp389Glu (NM_001144916.2); c.1164C>G, p.Asp388Glu (NM_001144917.2); c.1161C>G, p.Asp387Glu (NM_001144918.2); c.1248C>G, p.Asp416Glu (NM_001144919.2); c.828C>G, p.Asp276Glu (NM_001320654.2); and 1 more; short protein forms D388E, D416E, D389E, D387E, D392E, D502E, D504E, D276E.
Identifiers: ClinVar variation 2700214 (VCV002700214.3), dbSNP rs2134007866, ClinGen allele CA378322996.
Genomic context (GRCh38, chr10:121,500,875, plus strand): 5'-TCCCCGCTCACCTTTCAACATCTTCACGGCCACGGTGACCGCCTCCTTGGGCTTGTCTTT[G>C]TCAATTCCCACTGCTTCCGCCATGACCACTTGCCCAAAGCAACCTTCTCCCAGGGGCTTG-3'
Protein context (NP_000132.3, residues 494-514): QVVMAEAVGI[Asp504Glu]KDKPKEAVTV